The following is an entry in ClinVar:

NM_000138.5(FBN1):c.6402C>T (p.Pro2134=)

Gene: FBN1 (fibrillin 1; minus strand). Cytogenetic location: 15q21.1.
Variant type: single nucleotide variant.
Coding change: c.6402C>T on transcript NM_000138.5 (MANE Select); coding-DNA position 6402, C replaced by T.
Protein change: p.Pro2134=; no amino-acid change (proline 2134 retained).
Molecular consequence: synonymous variant.
Genome position (GRCh38, 1-based): chr15:48,437,055, G>A on the plus strand (C>T on the coding strand, the complement: FBN1 is on the minus strand). VCF-style: chr15-48437055-G-A. GRCh37 (hg19) VCF-style: chr15-48729252-G-A.
Identifiers: ClinVar variation 974989 (VCV000974989.18), dbSNP rs772439885, ClinGen allele CA056766.
Genomic context (GRCh38, chr15:48,437,055, plus strand): 5'-GGGACACTCGCAGCGATAGGAACCATCTGTATTGATGCACTGTCCATGTTTACAGACATC[G>A]GGTTCTTTGCATTCGTCCATATCTTAAGCAAGAGAAAAAAAATAGTGAATAACAAGGTAT-3'
Protein context (NP_000129.3, residues 2124-2144): SAVDMDECKE[Pro2134=]DVCKHGQCIN

ClinVar aggregate classification (germline): Likely benign. Review status: criteria provided, multiple submitters, no conflicts (2 of 4 stars). 6 submissions from 6 submitters: Likely benign (6). Last evaluated 2025-12-01.

Conditions:
Familial thoracic aortic aneurysm and aortic dissection (TAAD). Also called: Thoracic aortic aneurysms and dissections. Identifiers: Orphanet 91387, MedGen C4707243, MONDO:0019625.
Marfan syndrome (MFS). Also called: Marfan syndrome, classic; Marfan syndrome type 1; Marfan's syndrome; FBN1-Related Marfan Syndrome; MARFAN SYNDROME, TYPE I. Identifiers: Orphanet 284963, Orphanet 558, MedGen C0024796, MONDO:0007947, OMIM 154700.

Allele frequency attached by ClinVar (database versions not stated): gnomAD 0.00001; ExAC 0.00002; gnomAD exomes 0.00002; TOPMed 0.00002.
gnomAD v4.1: 17 of 1,612,368 alleles (0.0011%); highest among the groups gnomAD compares: South Asian, 0.0022%; no homozygotes.

Submissions (6):

CeGaT Center for Human Genetics Tuebingen
Classification: Likely benign. Last evaluated: 2025-12-01. Review status: criteria provided, single submitter. Criteria: CeGaT Center For Human Genetics Tuebingen Variant Classification Criteria Version 2. Collection method: clinical testing. Allele origin: germline. Affected: yes. Observed: 2 variant alleles.
Comment: FBN1: BP4, BP7

Labcorp Genetics (formerly Invitae), Labcorp
Classification: Likely benign for Marfan syndrome; Familial thoracic aortic aneurysm and aortic dissection. Last evaluated: 2025-07-25. Review status: criteria provided, single submitter. Criteria: Invitae Variant Classification Sherloc (09022015). Collection method: clinical testing. Allele origin: germline.

Blueprint Genetics
Classification: Likely benign. Last evaluated: 2024-05-23. Review status: criteria provided, single submitter. Criteria: ACMG Guidelines, 2015. Collection method: clinical testing. Allele origin: germline.

Ambry Genetics
Classification: Likely benign for Familial thoracic aortic aneurysm and aortic dissection. Last evaluated: 2023-02-16. Review status: criteria provided, single submitter. Criteria: Ambry Variant Classification Scheme 2023. Collection method: clinical testing. Allele origin: germline.

Color Diagnostics, LLC DBA Color Health
Classification: Likely benign for Familial thoracic aortic aneurysm and aortic dissection. Last evaluated: 2022-11-06. Review status: criteria provided, single submitter. Criteria: ACMG Guidelines, 2015. Collection method: clinical testing. Allele origin: germline.

Women's Health and Genetics/Laboratory Corporation of America, LabCorp
Classification: Likely benign. Last evaluated: 2020-07-19. Review status: criteria provided, single submitter. Criteria: LabCorp Variant Classification Summary - May 2015. Collection method: clinical testing. Allele origin: germline.